The following is an entry in ClinVar:

NM_001374353.1(GLI2):c.1183-50G>A

Gene: GLI2 (GLI family zinc finger 2; plus strand). Cytogenetic location: 2q14.2.
Variant type: single nucleotide variant.
Coding change: c.1183-50G>A on transcript NM_001374353.1 (MANE Select); 50 bases into the intron before coding-DNA position 1183, G replaced by A.
Molecular consequence: intron variant. On other transcripts: missense variant (2).
Genome position (GRCh38, 1-based): chr2:120,974,925, G>A. VCF-style: chr2-120974925-G-A. GRCh37 (hg19) VCF-style: chr2-121732501-G-A.
Other names: c.1184G>A, p.Gly395Asp (NM_001371271.1, NM_005270.5); c.808-50G>A (NM_001374354.1); short protein forms G395D.
Identifiers: ClinVar variation 3752950 (VCV003752950.2).

ClinVar aggregate classification (germline): Uncertain significance (1 of 4 stars; one submission).

Conditions:
Holoprosencephaly 9 (HPE9). Also called: HOLOPROSENCEPHALY WITH MICROPHTHALMIA AND FIRST BRANCHIAL ARCH ANOMALIES; PITUITARY ANOMALIES WITH HOLOPROSENCEPHALY-LIKE FEATURES. Identifiers: Orphanet 2162, MedGen C1835819, MONDO:0012563, OMIM 610829.
Postaxial polydactyly-anterior pituitary anomalies-facial dysmorphism syndrome. Also called: Culler-Jones syndrome. Identifiers: Orphanet 420584, MedGen C4014479, MONDO:0014369, OMIM 615849.

gnomAD v4.1: 16 of 1,614,172 alleles (0.00099%); highest among the groups gnomAD compares: East Asian, 0.011%; no homozygotes.

Submission:

Labcorp Genetics (formerly Invitae), Labcorp
Classification: Uncertain significance for Postaxial polydactyly-anterior pituitary anomalies-facial dysmorphism syndrome; Holoprosencephaly 9. Last evaluated: 2024-05-13. Review status: criteria provided, single submitter. Criteria: Invitae Variant Classification Sherloc (09022015). Collection method: clinical testing. Allele origin: germline.
Comment: This sequence change replaces glycine, which is neutral and non-polar, with aspartic acid, which is acidic and polar, at codon 395 of the GLI2 protein (p.Gly395Asp). This variant is present in population databases (rs201823427, gnomAD 0.02%). This variant has not been reported in the literature in individuals affected with GLI2-related conditions. Algorithms developed to predict the effect of missense changes on protein structure and function output the following: SIFT: "Not Available"; PolyPhen-2: "Benign"; Align-GVGD: "Not Available". The aspartic acid amino acid residue is found in multiple mammalian species, which suggests that this missense change does not adversely affect protein function. In summary, the available evidence is currently insufficient to determine the role of this variant in disease. Therefore, it has been classified as a Variant of Uncertain Significance.